The following is an entry in ClinVar:

NM_014236.4(GNPAT):c.37G>T (p.Val13Phe)

Gene: GNPAT (glyceronephosphate O-acyltransferase; plus strand). Cytogenetic location: 1q42.2.
Variant type: single nucleotide variant.
Coding change: c.37G>T on transcript NM_014236.4 (MANE Select); coding-DNA position 37, G replaced by T.
Protein change: p.Val13Phe; replaces valine 13 with phenylalanine.
Molecular consequence: missense variant.
Genome position (GRCh38, 1-based): chr1:231,241,415, G>T. VCF-style: chr1-231241415-G-T. GRCh37 (hg19) VCF-style: chr1-231377161-G-T.
Other names: c.37G>T, p.Val13Phe (NM_001316350.2); short protein forms V13F.
Identifiers: ClinVar variation 1354439 (VCV001354439.5), dbSNP rs1237195162, ClinGen allele CA345228670.
Genomic context (GRCh38, chr1:231,241,415, plus strand): 5'-CCCGCCCGGGAAGGCAGCCGCACCATGGAGTCTTCCAGTTCATCTAACTCTTATTTCTCC[G>T]TTGGCCCAACCAGTCCCAGCGCTGTCGTGCTCCTCTACTCGGTAGGCGCCCAGGGAAAAG-3'
Protein context (NP_055051.1, residues 3-23): SSSSSNSYFS[Val13Phe]GPTSPSAVVL

ClinVar aggregate classification (germline): Uncertain significance (1 of 4 stars; one submission).

Submission:

Labcorp Genetics (formerly Invitae), Labcorp
Classification: Uncertain significance. Last evaluated: 2024-02-24. Review status: criteria provided, single submitter. Criteria: Invitae Variant Classification Sherloc (09022015). Collection method: clinical testing. Allele origin: germline.
Comment: This sequence change replaces valine, which is neutral and non-polar, with phenylalanine, which is neutral and non-polar, at codon 13 of the GNPAT protein (p.Val13Phe). This variant is not present in population databases (gnomAD no frequency). This variant has not been reported in the literature in individuals affected with GNPAT-related conditions. ClinVar contains an entry for this variant (Variation ID: 1354439). An algorithm developed to predict the effect of missense changes on protein structure and function (PolyPhen-2) suggests that this variant is likely to be tolerated. In summary, the available evidence is currently insufficient to determine the role of this variant in disease. Therefore, it has been classified as a Variant of Uncertain Significance.